The following is an entry in ClinVar:

NM_024006.6(VKORC1):c.358C>T (p.Leu120=)

Gene: VKORC1 (vitamin K epoxide reductase complex subunit 1; minus strand). Cytogenetic location: 16p11.2.
Variant type: single nucleotide variant.
Coding change: c.358C>T on transcript NM_024006.6 (MANE Select); coding-DNA position 358, C replaced by T.
Protein change: p.Leu120=; no amino-acid change (leucine 120 retained).
Molecular consequence: synonymous variant. On other transcripts: missense variant (1).
Genome position (GRCh38, 1-based): chr16:31,091,268, G>A on the plus strand (C>T on the coding strand, the complement: VKORC1 is on the minus strand). VCF-style: chr16-31091268-G-A. GRCh37 (hg19) VCF-style: chr16-31102589-G-A.
Other names: c.442C>T, p.Leu148= (NM_001311311.2); c.248C>T, p.Pro83Leu (NM_206824.3); short protein forms P83L.
Identifiers: ClinVar variation 318975 (VCV000318975.7), dbSNP rs7200749, ClinGen allele CA8021128.
Genomic context (GRCh38, chr16:31,091,268, plus strand): 5'-CATAGGTGGTGATACAAACAATGCAGAAATCATAGAGCACGAAGAACAGGATCCAGGCCA[G>A]GTAGACAGAACCAGCGAGAGACACCAGGGAGCTCAGCAGCATCAGGACAGAGGCCCAGCG-3'
Protein context (NP_076869.1, residues 110-130): SLVSLAGSVY[Leu120=]AWILFFVLYD

ClinVar aggregate classification (germline): Benign. Review status: criteria provided, multiple submitters, no conflicts (2 of 4 stars). 3 submissions from 3 submitters: Benign (3). Last evaluated 2025-06-25.

Conditions:
Vitamin K-dependent clotting factors, combined deficiency of, type 2. Identifiers: Orphanet 98434, MedGen C1843832, MONDO:0011837, OMIM 607473.

Allele frequency attached by ClinVar (database versions not stated): gnomAD exomes 0.00651 and 0.01558; ExAC 0.01909; gnomAD 0.05600 and 0.05999; 1000 Genomes Project 0.05970; 1000 Genomes Project 30x 0.06184; TOPMed 0.06281; ESP Exome Variant Server 0.06457.
gnomAD v4.1: 18,461 of 1,614,136 alleles (1.1%); highest among the groups gnomAD compares: African/African-American, 20%; 1,541 homozygotes.

Submissions (3):

Labcorp Genetics (formerly Invitae), Labcorp
Classification: Benign. Last evaluated: 2025-06-25. Review status: criteria provided, single submitter. Criteria: Invitae Variant Classification Sherloc (09022015). Collection method: clinical testing. Allele origin: germline.

Illumina Laboratory Services, Illumina
Classification: Benign for Vitamin K-dependent clotting factors, combined deficiency of, type 2. Last evaluated: 2018-01-13. Review status: criteria provided, single submitter. Criteria: ICSL Variant Classification Criteria 13 December 2019. Collection method: clinical testing. Allele origin: germline.
Comment: This variant was observed in the ICSL laboratory as part of a predisposition screen in an ostensibly healthy population. It had not been previously curated by ICSL or reported in the Human Gene Mutation Database (HGMD: prior to June 1st, 2018), and was therefore a candidate for classification through an automated scoring system. Utilizing variant allele frequency, disease prevalence and penetrance estimates, and inheritance mode, an automated score was calculated to assess if this variant is too frequent to cause the disease. Based on the score and internal cut-off values, a variant classified as benign is not then subjected to further curation. The score for this variant resulted in a classification of benign for this disease.

Breakthrough Genomics
Classification: Benign. Review status: criteria provided, single submitter. Criteria: ACMG Guidelines, 2015. Collection method: not provided. Allele origin: germline. Inheritance: Autosomal recessive inheritance. Affected: yes.